The following is an entry in ClinVar:

ClinVar aggregate classification (germline): Pathogenic (1 of 4 stars; one submission).

Conditions:
Familial cancer of breast. Also called: BREAST CANCER, FAMILIAL; Hereditary breast cancer; hereditary breast carcinoma. Identifiers: Orphanet 227535, MedGen C0346153, MONDO:0016419, OMIM 114480. Disease mechanism: loss of function.

Submission:

Labcorp Genetics (formerly Invitae), Labcorp
Classification: Pathogenic for Hereditary Breast Carcinoma. Last evaluated: 2019-06-25. Review status: criteria provided, single submitter. Criteria: Invitae Variant Classification Sherloc (09022015). Collection method: clinical testing. Allele origin: germline.
Comment: This variant is a gross deletion of the genomic region encompassing exons 8-15 of the CHEK2 gene. The 5' boundary is likely confined to intron 7. The 3' end of this event is unknown as it extends through the termination codon beyond the assayed region for this gene and may encompass additional genes. While this deletion is not anticipated to result in nonsense mediated decay, it is expected to create a truncated protein product or disrupt mRNA translation. This variant has not been reported in the literature in individuals with CHEK2-related disease. This deletion partially removes the kinase domain (residues 226-486), and the NLS (nuclear localization signal, residues 515-522), which are important for normal CHEK2 protein function (PMID: 11733767, 15279791, 19782031, 12909615, 18004398, 24879340). Smaller in-frame deletions and truncations in this region have been determined to be pathogenic in the Invitae database, suggesting that deletion of this region of the CHEK2 protein is causative of disease. For these reasons, this variant has been classified as Pathogenic.

Literature cited by the submitters: PubMed 18004398; PubMed 19782031; PubMed 15279791; PubMed 24879340; PubMed 12909615; PubMed 11733767.

NC_000022.11:g.(?_28687887)_(28703576_?)del

Gene: CHEK2 (checkpoint kinase 2; minus strand). Cytogenetic location: 22q12.1.
Variant type: Deletion.
Identifiers: ClinVar variation 831334 (VCV000831334.2).